The following is an entry in ClinVar:

NM_001100.4(ACTA1):c.283G>C (p.Glu95Gln)

Gene: ACTA1 (actin alpha 1, skeletal muscle; minus strand). Cytogenetic location: 1q42.13.
Variant type: single nucleotide variant.
Coding change: c.283G>C on transcript NM_001100.4 (MANE Select); coding-DNA position 283, G replaced by C.
Protein change: p.Glu95Gln; replaces glutamic acid 95 with glutamine.
Molecular consequence: missense variant.
Genome position (GRCh38, 1-based): chr1:229,432,727, C>G on the plus strand (G>C on the coding strand, the complement: ACTA1 is on the minus strand). VCF-style: chr1-229432727-C-G. GRCh37 (hg19) VCF-style: chr1-229568474-C-G.
Other names: short protein forms E95Q.
Identifiers: ClinVar variation 4745186 (VCV004745186.1).

ClinVar aggregate classification (germline): Uncertain significance (1 of 4 stars; one submission).

Conditions:
Actin accumulation myopathy (CMYO2A). Also called: Myopathy, actin, congenital, with cores; Nemaline myopathy 3, with intranuclear rods; Nemaline myopathy type 3; Myopathy, actin, congenital, with excess of thin myofilaments; CONGENITAL MYOPATHY 2A, TYPICAL, AUTOSOMAL DOMINANT. Identifiers: Orphanet 98904, MedGen C3711389, MONDO:0008070, OMIM 161800.

Submission:

Labcorp Genetics (formerly Invitae), Labcorp
Classification: Uncertain significance for Actin accumulation myopathy. Last evaluated: 2025-12-22. Review status: criteria provided, single submitter. Criteria: Invitae Variant Classification Sherloc (09022015). Collection method: clinical testing. Allele origin: germline.
Comment: This sequence change replaces glutamic acid, which is acidic and polar, with glutamine, which is neutral and polar, at codon 95 of the ACTA1 protein (p.Glu95Gln). This variant is not present in population databases (gnomAD no frequency). This missense change has been observed in individual(s) with ACTA1-related conditions (internal data). Invitae Evidence Modeling of protein sequence and biophysical properties (such as structural, functional, and spatial information, amino acid conservation, physicochemical variation, residue mobility, and thermodynamic stability) indicates that this missense variant is not expected to disrupt ACTA1 protein function with a negative predictive value of 80%. This variant disrupts the p.Glu95 amino acid residue in ACTA1. Other variant(s) that disrupt this residue have been determined to be pathogenic (PMID: 21520333). This suggests that this residue is clinically significant, and that variants that disrupt this residue are likely to be disease-causing. In summary, the available evidence is currently insufficient to determine the role of this variant in disease. Therefore, it has been classified as a Variant of Uncertain Significance.

Literature cited by the submitters: PubMed 21520333.